The following is an entry in ClinVar:

NM_001849.4(COL6A2):c.2483C>T (p.Thr828Met)

Gene: COL6A2 (collagen type VI alpha 2 chain; plus strand). Cytogenetic location: 21q22.3.
Variant type: single nucleotide variant.
Coding change: c.2483C>T on transcript NM_001849.4 (MANE Select); coding-DNA position 2483, C replaced by T.
Protein change: p.Thr828Met; replaces threonine 828 with methionine.
Molecular consequence: missense variant.
Genome position (GRCh38, 1-based): chr21:46,131,975, C>T. VCF-style: chr21-46131975-C-T. GRCh37 (hg19) VCF-style: chr21-47551889-C-T.
Other names: short protein forms T828M.
Identifiers: ClinVar variation 290609 (VCV000290609.64), dbSNP rs755782924, ClinGen allele CA10072902.

ClinVar aggregate classification (germline): Conflicting classifications of pathogenicity. Review status: criteria provided, conflicting classifications (1 of 4 stars). 8 submissions from 8 submitters: Uncertain significance (6); Likely benign (1). 1 of the submissions does not count toward it. Last evaluated 2025-06-12.

Conditions:
Inborn genetic diseases. Identifiers: MedGen C0950123, MeSH D030342.
Collagen 6-related myopathy. Identifiers: MedGen CN117976, MONDO:0100225.
Bethlem myopathy 1A. Also called: Bethlem myopathy 1; Bethlem Muscular Dystrophy; MYOPATHY, BENIGN CONGENITAL, WITH CONTRACTURES. Identifiers: Orphanet 610, MedGen CN029274, MONDO:0024530, OMIM 158810.

Allele frequency attached by ClinVar (database versions not stated): gnomAD 0.00001; TOPMed 0.00001; gnomAD exomes 0.00002; ExAC 0.00003.
gnomAD v4.1: 28 of 1,607,600 alleles (0.0017%); highest among the groups gnomAD compares: Admixed American, 0.005%; no homozygotes.

Submissions (8):

Labcorp Genetics (formerly Invitae), Labcorp
Classification: Likely benign for Bethlem myopathy 1A. Last evaluated: 2025-06-12. Review status: criteria provided, single submitter. Criteria: Invitae Variant Classification Sherloc (09022015). Collection method: clinical testing. Allele origin: germline.

Ambry Genetics
Classification: Uncertain significance for Inborn genetic diseases. Last evaluated: 2023-06-30. Review status: criteria provided, single submitter. Criteria: Ambry Variant Classification Scheme 2023. Collection method: clinical testing. Allele origin: germline.

GeneDx
Classification: Uncertain significance. Last evaluated: 2021-04-07. Review status: criteria provided, single submitter. Criteria: GeneDx Variant Classification Process June 2021. Collection method: clinical testing. Allele origin: germline. Affected: yes.
Comment: In silico analysis supports that this missense variant does not alter protein structure/function; Has not been previously published as pathogenic or benign to our knowledge

CeGaT Center for Human Genetics Tuebingen
Classification: Uncertain significance. Last evaluated: 2019-10-01. Review status: criteria provided, single submitter. Criteria: CeGaT Center For Human Genetics Tuebingen Variant Classification Criteria Version 2. Collection method: clinical testing. Allele origin: germline. Affected: yes. Observed: 2 variant alleles.

Revvity Omics, Revvity
Classification: Uncertain significance. Last evaluated: 2019-07-08. Review status: criteria provided, single submitter. Criteria: ACMG Guidelines, 2015. Collection method: clinical testing. Allele origin: germline.

Illumina Laboratory Services, Illumina
Classification: Uncertain significance for Collagen VI-related myopathy. Last evaluated: 2018-01-12. Review status: criteria provided, single submitter. Criteria: ICSL Variant Classification Criteria 13 December 2019. Collection method: clinical testing. Allele origin: germline.

Eurofins Ntd Llc (ga)
Classification: Uncertain significance. Last evaluated: 2016-09-13. Review status: criteria provided, single submitter. Criteria: EGL Classification Definitions 2015. Collection method: clinical testing. Allele origin: germline. Observed: 1 variant allele, 1 heterozygote.

Zotz-Klimas Genetics Lab, MVZ Zotz Klimas
Classification: Uncertain significance for Bethlem myopathy 1A. Last evaluated: 2023-10-09. Review status: no assertion criteria provided. Collection method: clinical testing. Allele origin: germline. Affected: yes. Not counted in ClinVar's aggregate classification.